The following is an entry in ClinVar:

ClinVar aggregate classification (germline): Uncertain significance (1 of 4 stars; one submission).

gnomAD v4.1: 1 of 1,604,684 alleles (0.000062%); highest among the groups gnomAD compares: Admixed American, 0.0017%; no homozygotes.

Submission:

Labcorp Genetics (formerly Invitae), Labcorp
Classification: Uncertain significance. Last evaluated: 2024-04-29. Review status: criteria provided, single submitter. Criteria: Invitae Variant Classification Sherloc (09022015). Collection method: clinical testing. Allele origin: germline.
Comment: This sequence change replaces glutamine, which is neutral and polar, with arginine, which is basic and polar, at codon 566 of the IFT88 protein (p.Gln566Arg). This variant is not present in population databases (gnomAD no frequency). This variant has not been reported in the literature in individuals affected with IFT88-related conditions. An algorithm developed to predict the effect of missense changes on protein structure and function (PolyPhen-2) suggests that this variant is likely to be disruptive. In summary, the available evidence is currently insufficient to determine the role of this variant in disease. Therefore, it has been classified as a Variant of Uncertain Significance.

NM_006531.5(IFT88):c.1670A>G (p.Gln557Arg)

Gene: IFT88 (intraflagellar transport 88; plus strand). Cytogenetic location: 13q12.11.
Variant type: single nucleotide variant.
Coding change: c.1670A>G on transcript NM_006531.5 (MANE Select); coding-DNA position 1670, A replaced by G.
Protein change: p.Gln557Arg; replaces glutamine 557 with arginine.
Molecular consequence: missense variant. On other transcripts: non-coding transcript variant (4).
Genome position (GRCh38, 1-based): chr13:20,641,386, A>G. VCF-style: chr13-20641386-A-G. GRCh37 (hg19) VCF-style: chr13-21215525-A-G.
Other names: c.1697A>G, p.Gln566Arg (NM_001353566.2, NM_001353567.2, NM_175605.5 and 2 more transcripts); c.1670A>G, p.Gln557Arg (NM_001353568.2, NM_001353572.2); c.1595A>G, p.Gln532Arg (NM_001353569.2, NM_001353570.2, NM_001353576.2 and 1 more transcripts); c.1568A>G, p.Gln523Arg (NM_001353571.2, NM_001353578.2); c.1526A>G, p.Gln509Arg (NM_001353573.2); c.1511A>G, p.Gln504Arg (NM_001353574.2); c.1613A>G, p.Gln538Arg (NM_001353575.2, NM_001318491.2); c.1037A>G, p.Gln346Arg (NM_001353579.2); short protein forms Q346R, Q504R, Q509R, Q523R, Q532R, Q538R, Q557R, Q566R.
Identifiers: ClinVar variation 3612056 (VCV003612056.2).